The following is an entry in ClinVar:

NM_194248.3(OTOF):c.5128A>C (p.Met1710Leu)

Genes: OTOF (otoferlin; minus strand), LOC112840921 (BRD4-independent group 4 enhancer GRCh37_chr2:26685720-26686919; plus strand). Cytogenetic location: 2p23.3.
Variant type: single nucleotide variant.
Coding change: c.5128A>C on transcript NM_194248.3 (MANE Select); coding-DNA position 5128, A replaced by C.
Protein change: p.Met1710Leu; replaces methionine 1710 with leucine.
Molecular consequence: missense variant.
Genome position (GRCh38, 1-based): chr2:26,463,547, T>G on the plus strand (A>C on the coding strand, the complement: OTOF is on the minus strand). VCF-style: chr2-26463547-T-G. GRCh37 (hg19) VCF-style: chr2-26686415-T-G.
Other names: c.5128A>C, p.Met1710Leu (NM_001287489.2); c.2827A>C, p.Met943Leu (NM_004802.4, NM_194323.3); c.3058A>C, p.Met1020Leu (NM_194322.3); short protein forms M943L, M1020L, M1710L.
Identifiers: ClinVar variation 667293 (VCV000667293.13), dbSNP rs368639052, ClinGen allele CA1562923.

ClinVar aggregate classification (germline): Conflicting classifications of pathogenicity. Review status: criteria provided, conflicting classifications (1 of 4 stars). 4 submissions from 4 submitters: Uncertain significance (3); Benign (1). Last evaluated 2024-06-10.

Conditions:
Inborn genetic diseases. Identifiers: MedGen C0950123, MeSH D030342.

Allele frequency attached by ClinVar (database versions not stated): gnomAD exomes 0.00004; ExAC 0.00009; gnomAD 0.00010; TOPMed 0.00014; 1000 Genomes Project 30x 0.00031; ESP Exome Variant Server 0.00031; 1000 Genomes Project 0.00040.

Submissions (4):

GeneDx
Classification: Uncertain significance. Last evaluated: 2024-06-10. Review status: criteria provided, single submitter. Criteria: GeneDx Variant Classification Process June 2021. Collection method: clinical testing. Allele origin: germline. Affected: yes.
Comment: In silico analysis supports that this missense variant has a deleterious effect on protein structure/function; Has not been previously published as pathogenic or benign to our knowledge

Labcorp Genetics (formerly Invitae), Labcorp
Classification: Benign. Last evaluated: 2024-02-14. Review status: criteria provided, single submitter. Criteria: Invitae Variant Classification Sherloc (09022015). Collection method: clinical testing. Allele origin: germline.

Ambry Genetics
Classification: Uncertain significance for Inborn genetic diseases. Last evaluated: 2021-07-21. Review status: criteria provided, single submitter. Criteria: Ambry Variant Classification Scheme 2023. Collection method: clinical testing. Allele origin: germline.

Laboratory for Molecular Medicine, Mass General Brigham Personalized Medicine
Classification: Uncertain significance. Last evaluated: 2018-09-17. Review status: criteria provided, single submitter. Criteria: LMM Criteria. Collection method: clinical testing. Allele origin: germline. Observed: 1 variant allele.
Comment: The p.Met1710Leu variant in OTOF has not been previously reported in individuals with hearing loss or auditory neuropathy spectrum disorder but has been identif ied in 0.06% (14/22578) of African chromosomes by the Genome Aggregation Databas e (gnomAD). Computational prediction tools and conservation analysis do not provide strong support for or against an impact to the protein. In summary, the clinical significance of the p.Met1710Leu variant is uncertain. ACMG/AMP Criteria applied: PM2_Supporting.